The following is an entry in ClinVar:

ClinVar aggregate classification (germline): Pathogenic (0 of 4 stars; one submission).

Submission:

GenMed Metabolism Lab
Classification: Pathogenic. Review status: no assertion criteria provided. Collection method: not provided. Allele origin: unknown.
Comment: p.Gly83Arg, Neonatal
ClinVar note: Converted during submission from pathogenic to Pathogenic.

NM_000531.6(OTC):c.247G>C (p.Gly83Arg)

Gene: OTC (ornithine transcarbamylase; plus strand). Cytogenetic location: Xp11.4.
Variant type: single nucleotide variant.
Coding change: c.247G>C on transcript NM_000531.6 (MANE Select); coding-DNA position 247, G replaced by C.
Protein change: p.Gly83Arg; replaces glycine 83 with arginine.
Molecular consequence: missense variant.
Genome position (GRCh38, 1-based): chrX:38,369,826, G>C. VCF-style: chrX-38369826-G-C. GRCh37 (hg19) VCF-style: chrX-38229079-G-C.
Other names: short protein forms G83R.
Identifiers: ClinVar variation 97143 (VCV000097143.2), dbSNP rs72554336, ClinGen allele CA224518.
Genomic context (GRCh38, chrX:38,369,826, plus strand): 5'-TTTAATTCTATTCTTGTCCTTGATTTATAGTATTTGCCTTTATTGCAAGGGAAGTCCTTA[G>C]GCATGATTTTTGAGAAAAGAAGTACTCGAACAAGATTGTCTACAGAAACAGGTAAGTCCA-3'
Protein context (NP_000522.3, residues 73-93): YLPLLQGKSL[Gly83Arg]MIFEKRSTRT